The following is an entry in ClinVar:

NM_001458.5(FLNC):c.5399-12_5399-9del

Genes: FLNC (filamin C; plus strand), FLNC-AS1 (FLNC antisense RNA 1; minus strand). Cytogenetic location: 7q32.1.
Variant type: Deletion.
Coding change: c.5399-12_5399-9del on transcript NM_001458.5 (MANE Select); 12 bases into the intron before coding-DNA position 5399 through 9 bases into the intron before coding-DNA position 5399, 4 bases deleted (TCTG; older notation c.5399-12_5399-9delTCTG).
Molecular consequence: intron variant.
Genome position (GRCh38, 1-based): chr7:128,850,791-128,850,794, TCTG deleted; deleting any 4 consecutive bases within chr7:128,850,789-128,850,794 gives the same sequence; the c. name uses the placement nearest the transcript's 3' end. VCF-style (leftmost placement, unchanged base first): chr7-128850788-GTGTC-G. GRCh37 (hg19) VCF-style: chr7-128490842-GTGTC-G.
Other names: c.5300-12_5300-9del (NM_001127487.2).
Identifiers: ClinVar variation 1504092 (VCV001504092.9), dbSNP rs766580034, ClinGen allele CA4475684.
Genomic context (GRCh38, chr7:128,850,788, plus strand): 5'-GGACCAGGCCTGGGACAGCAGGGAGGTTGCAGTGGGGGAAACCAGGGTCTCCACGTAACT[GTGTC>G]TGCCCTGCAGGAGAGGTGCGGATGCCCTCGGGGAAGACGGCACGGCCCAACATCACCGAC-3'

ClinVar aggregate classification (germline): Conflicting classifications of pathogenicity. Review status: criteria provided, conflicting classifications (1 of 4 stars). 2 submissions from 2 submitters: Uncertain significance (1); Likely benign (1). Last evaluated 2026-01-11.

Conditions:
Hypertrophic cardiomyopathy 26. Also called: Cardiomyopathy, familial hypertrophic, 26. Identifiers: Orphanet 75249, MedGen C4310749, MONDO:0014883, OMIM 617047.
Myofibrillar myopathy 5. Also called: Filaminopathy (type); FILAMINOPATHY, AUTOSOMAL DOMINANT. Identifiers: Orphanet 171445, MedGen C1836050, MONDO:0012289, OMIM 609524.
Distal myopathy with posterior leg and anterior hand involvement. Also called: WILLIAMS DISTAL MYOPATHY. Identifiers: Orphanet 63273, MedGen C3279722, MONDO:0013550, OMIM 614065.

Submissions (2):

Labcorp Genetics (formerly Invitae), Labcorp
Classification: Likely benign for Distal myopathy with posterior leg and anterior hand involvement; Myofibrillar myopathy 5; Hypertrophic cardiomyopathy 26. Last evaluated: 2026-01-11. Review status: criteria provided, single submitter. Criteria: Invitae Variant Classification Sherloc (09022015). Collection method: clinical testing. Allele origin: germline.

GeneDx
Classification: Uncertain significance. Last evaluated: 2023-11-24. Review status: criteria provided, single submitter. Criteria: GeneDx Variant Classification Process June 2021. Collection method: clinical testing. Allele origin: germline. Affected: yes.
Comment: Has not been previously published as pathogenic or benign to our knowledge; In silico analysis is inconclusive as to whether the variant alters gene splicing. In the absence of RNA/functional studies, the actual effect of this sequence change is unknown.